The following is an entry in ClinVar:

NM_001134407.3(GRIN2A):c.2014A>G (p.Arg672Gly)

Gene: GRIN2A (glutamate ionotropic receptor NMDA type subunit 2A; minus strand). Cytogenetic location: 16p13.2.
Variant type: single nucleotide variant.
Coding change: c.2014A>G on transcript NM_001134407.3 (MANE Select); coding-DNA position 2014, A replaced by G.
Protein change: p.Arg672Gly; replaces arginine 672 with glycine.
Molecular consequence: missense variant.
Genome position (GRCh38, 1-based): chr16:9,822,418, T>C on the plus strand (A>G on the coding strand, the complement: GRIN2A is on the minus strand). VCF-style: chr16-9822418-T-C. GRCh37 (hg19) VCF-style: chr16-9916275-T-C.
Other names: c.2014A>G, p.Arg672Gly (NM_000833.5, NM_001134408.2); short protein forms R672G.
Identifiers: ClinVar variation 965049 (VCV000965049.10), dbSNP rs1555491685, ClinGen allele CA394797994.
Genomic context (GRCh38, chr16:9,822,418, plus strand): 5'-TCTCCGTGCTTCCATTAGGCACTGTCCCAAATCGAAAAGGTGGGGAATAGTCATGAGGTC[T>C]CTGAAACTGGAGAGAGAACGAGAAAGGAAGAGAGAGAGTAGGAAAAGAAAGAGAAGGGAG-3'
Protein context (NP_001127879.1, residues 662-682): VTGLSDKKFQ[Arg672Gly]PHDYSPPFRF

ClinVar aggregate classification (germline): Uncertain significance (1 of 4 stars; one submission).

Conditions:
Landau-Kleffner syndrome (FESD). Also called: EPILEPSY, FOCAL, WITH SPEECH DISORDER AND WITH OR WITHOUT MENTAL RETARDATION; APHASIA, ACQUIRED, WITH EPILEPSY. Identifiers: Orphanet 1945, Orphanet 725, Orphanet 98818, MedGen C0282512, MONDO:0009509, OMIM 245570.

Submission:

Labcorp Genetics (formerly Invitae), Labcorp
Classification: Uncertain significance for Landau-Kleffner syndrome. Last evaluated: 2020-01-27. Review status: criteria provided, single submitter. Criteria: Invitae Variant Classification Sherloc (09022015). Collection method: clinical testing. Allele origin: germline.
Comment: This sequence change replaces arginine with glycine at codon 672 of the GRIN2A protein (p.Arg672Gly). The arginine residue is moderately conserved and there is a moderate physicochemical difference between arginine and glycine. This variant is not present in population databases (ExAC no frequency). In summary, the available evidence is currently insufficient to determine the role of this variant in disease. Therefore, it has been classified as a Variant of Uncertain Significance. This variant has not been reported in the literature in individuals with GRIN2A-related conditions. Algorithms developed to predict the effect of missense changes on protein structure and function (SIFT, PolyPhen-2, Align-GVGD) all suggest that this variant is likely to be tolerated, but these predictions have not been confirmed by published functional studies and their clinical significance is uncertain.